The following is an entry in ClinVar:

NM_000455.5(STK11):c.944del (p.Pro315fs)

Gene: STK11 (serine/threonine kinase 11; plus strand). Cytogenetic location: 19p13.3.
Variant type: Deletion.
Coding change: c.944del on transcript NM_000455.5 (MANE Select); coding-DNA position 944, one base deleted (C; older notation c.944delC).
Protein change: p.Pro315fs; shifts the reading frame from proline 315.
Molecular consequence: frameshift variant.
Genome position (GRCh38, 1-based): chr19:1,223,008, C deleted; the last of 2 consecutive C bases (chr19:1,223,007-1,223,008); deleting either gives the same sequence. VCF-style (leftmost placement, unchanged base first): chr19-1223006-TC-T. GRCh37 (hg19) VCF-style: chr19-1223005-TC-T.
Other names: short protein forms P315fs.
Identifiers: ClinVar variation 1683509 (VCV001683509.2), dbSNP rs2145430705, ClinGen allele CA2573155779.

ClinVar aggregate classification (germline): Likely pathogenic (1 of 4 stars; one submission).

Conditions:
Peutz-Jeghers syndrome (PJS). Also called: Peutz-Jeghers polyposis; Periorificial lentiginosis syndrome; POLYPOSIS, HAMARTOMATOUS INTESTINAL; POLYPS-AND-SPOTS SYNDROME. Identifiers: Orphanet 2869, MedGen C0031269, MeSH D010580, MONDO:0008280, OMIM 175200.

Submission:

Laboratorio de Genetica e Diagnostico Molecular, Hospital Israelita Albert Einstein
Classification: Likely pathogenic for Peutz-Jeghers syndrome. Last evaluated: 2021-10-18. Review status: criteria provided, single submitter. Criteria: ACMG Guidelines, 2015. Collection method: clinical testing. Allele origin: germline. Affected: yes.
Comment: ACMG classification criteria: PVS1 very strong, PM2 moderate